The following is an entry in ClinVar:

NM_000064.4(C3):c.1976-6C>T

Gene: C3 (complement C3; minus strand). Cytogenetic location: 19p13.3.
Variant type: single nucleotide variant.
Coding change: c.1976-6C>T on transcript NM_000064.4 (MANE Select); 6 bases into the intron before coding-DNA position 1976, C replaced by T.
Molecular consequence: intron variant.
Genome position (GRCh38, 1-based): chr19:6,707,543, G>A on the plus strand (C>T on the coding strand, the complement: C3 is on the minus strand). VCF-style: chr19-6707543-G-A. GRCh37 (hg19) VCF-style: chr19-6707554-G-A.
Identifiers: ClinVar variation 4280232 (VCV004280232.1).
Genomic context (GRCh38, chr19:6,707,543, plus strand): 5'-TCCGTGAGCTGCACGGAACGGCGTCGGCGGGCGGCTGGCTGCGGGCACTGAAGTTCTGCA[G>A]GGCAGGCGGACCGAGAAGAAGATGGATGAGGCACCTACTAGGTGTCCTCGGTTCACCCCT-3'

ClinVar aggregate classification (germline): Uncertain significance (1 of 4 stars; one submission).

Conditions:
Atypical hemolytic-uremic syndrome. Identifiers: Orphanet 2134, MedGen C2931788, MONDO:0016244.

Submission:

Genomenon, Inc
Classification: Uncertain significance for Atypical hemolytic-uremic syndrome. Last evaluated: 2025-09-30. Review status: criteria provided, single submitter. Criteria: Genomenon Sequence Variant Interpretation Standards. Collection method: curation. Allele origin: germline. Affected: yes.
Comment: C3 c.1976-6C>T is a splice variant located in the acceptor splice region of intron 15. This variant has been observed in at least one proband affected with atypical hemolytic-uremic syndrome (PMID:28056875). It is absent or not present at a significant frequency in gnomAD. In silico models agree that this variant is not damaging. In conclusion, we classify C3 c.1976-6C>T as a variant of unknown significance.

Literature cited by the submitters: PubMed 28056875.